The following is an entry in ClinVar:

ClinVar aggregate classification (germline): Conflicting classifications of pathogenicity. Review status: criteria provided, conflicting classifications (1 of 4 stars). 3 submissions from 3 submitters: Likely pathogenic (1); Uncertain significance (1). 1 of the submissions does not count toward it. Last evaluated 2024-05-16.

Conditions:
Wilson disease (WND). Also called: Wilson's disease. Identifiers: Orphanet 905, MedGen C0019202, MONDO:0010200, OMIM 277900. Disease mechanism: loss of function.
ATP7B-related disorder. Also called: ATP7B-related condition.

Allele frequency attached by ClinVar (database versions not stated): gnomAD exomes below 0.00001 and 0.00001; ExAC 0.00001.
gnomAD v4.1: 6 of 1,614,200 alleles (0.00037%); highest among the groups gnomAD compares: South Asian, 0.0022%; no homozygotes.

Submissions (3):

Fulgent Genetics
Classification: Uncertain significance for Wilson disease. Last evaluated: 2024-05-16. Review status: criteria provided, single submitter. Criteria: ACMG Guidelines, 2015. Collection method: clinical testing. Allele origin: germline.

Labcorp Genetics (formerly Invitae), Labcorp
Classification: Likely pathogenic for Wilson disease. Last evaluated: 2023-06-06. Review status: criteria provided, single submitter. Criteria: Invitae Variant Classification Sherloc (09022015). Collection method: clinical testing. Allele origin: germline.
Comment: In summary, the currently available evidence indicates that the variant is pathogenic, but additional data are needed to prove that conclusively. Therefore, this variant has been classified as Likely Pathogenic. This variant disrupts the p.Gly869 amino acid residue in ATP7B. Other variant(s) that disrupt this residue have been determined to be pathogenic (PMID: 11093740, 15952988, 23843956, 27398169, 30702195). This suggests that this residue is clinically significant, and that variants that disrupt this residue are likely to be disease-causing. Advanced modeling of protein sequence and biophysical properties (such as structural, functional, and spatial information, amino acid conservation, physicochemical variation, residue mobility, and thermodynamic stability) has been performed at Invitae for this missense variant, however the output from this modeling did not meet the statistical confidence thresholds required to predict the impact of this variant on ATP7B protein function. ClinVar contains an entry for this variant (Variation ID: 1525062). This variant has not been reported in the literature in individuals affected with ATP7B-related conditions. This variant is present in population databases (rs775553302, gnomAD 0.0009%). This sequence change replaces glycine, which is neutral and non-polar, with glutamic acid, which is acidic and polar, at codon 869 of the ATP7B protein (p.Gly869Glu).

PreventionGenetics, part of Exact Sciences
Classification: Uncertain significance for ATP7B-related condition. Last evaluated: 2024-01-18. Review status: no assertion criteria provided. Collection method: clinical testing. Allele origin: germline. Not counted in ClinVar's aggregate classification.
Comment: The ATP7B c.2606G>A variant is predicted to result in the amino acid substitution p.Gly869Glu. To our knowledge, this variant has not been reported in the literature. This variant is reported in 0.0018% of alleles in individuals of European (Non-Finnish) descent in gnomAD. Alternate missense variants affecting this amino acid (p.Gly869Arg, p.Gly869Val) have been reported in individuals with Wilson disease (Hua et al. 2016. PubMed ID: 27398169; García-Villarreal et al. 2000. PubMed ID: 11093740; Loudianos et al. 1999. PubMed ID: 10502776). Although we suspect that this variant may be pathogenic, at this time, the clinical significance of this variant is uncertain due to the absence of conclusive functional and genetic evidence.

Literature cited by the submitters: PubMed 11093740 (cited by Labcorp Genetics (formerly Invitae), Labcorp); PubMed 15952988 (cited by Labcorp Genetics (formerly Invitae), Labcorp); PubMed 23843956 (cited by Labcorp Genetics (formerly Invitae), Labcorp); PubMed 27398169 (cited by Labcorp Genetics (formerly Invitae), Labcorp); PubMed 30702195 (cited by Labcorp Genetics (formerly Invitae), Labcorp).

NM_000053.4(ATP7B):c.2606G>A (p.Gly869Glu)

Gene: ATP7B (ATPase copper transporting beta; minus strand). Cytogenetic location: 13q14.3.
Variant type: single nucleotide variant.
Coding change: c.2606G>A on transcript NM_000053.4 (MANE Select); coding-DNA position 2606, G replaced by A.
Protein change: p.Gly869Glu; replaces glycine 869 with glutamic acid.
Molecular consequence: missense variant.
Genome position (GRCh38, 1-based): chr13:51,950,131, C>T on the plus strand (G>A on the coding strand, the complement: ATP7B is on the minus strand). VCF-style: chr13-51950131-C-T. GRCh37 (hg19) VCF-style: chr13-52524267-C-T.
Other names: c.2120G>A, p.Gly707Glu (NM_001005918.3); c.2273G>A, p.Gly758Glu (NM_001243182.2); c.2372G>A, p.Gly791Glu (NM_001330578.2); c.2354G>A, p.Gly785Glu (NM_001330579.2); c.2606G>A (NM_000053.3); short protein forms G791E, G758E, G785E, G869E, G707E.
Identifiers: ClinVar variation 1525062 (VCV001525062.10), dbSNP rs775553302, ClinGen allele CA6988947.
Genomic context (GRCh38, chr13:51,950,131, plus strand): 5'-TGGGTAGCTTTAATGAGCACAGAGCCATGTGCATTTATAGACCCCGCAATTACAGTGCTT[C>T]CGGGTTTCTTAGTGACTGGCATGGCTTCTCCTAGACGTAGGAAAGAGACAACTGTCACTT-3'
Protein context (NP_000044.2, residues 859-879): GEAMPVTKKP[Gly869Glu]STVIAGSINA